The following is an entry in ClinVar:

NM_001023.4(RPS20):c.178-8del

Gene: RPS20 (ribosomal protein S20; minus strand). Cytogenetic location: 8q12.1.
Variant type: Deletion.
Coding change: c.178-8del on transcript NM_001023.4 (MANE Select); 8 bases into the intron before coding-DNA position 178, one base deleted (T; older notation c.178-8delT).
Molecular consequence: intron variant.
Genome position (GRCh38, 1-based): chr8:56,073,280, A deleted on the plus strand (T on the coding strand, the reverse complement: RPS20 is on the minus strand); the first of 4 consecutive A bases (chr8:56,073,280-56,073,283); deleting any one gives the same sequence. VCF-style (leftmost placement, unchanged base first): chr8-56073279-CA-C. GRCh37 (hg19) VCF-style: chr8-56985838-CA-C.
Other names: c.178-8del (NM_001146227.3).
Identifiers: ClinVar variation 5042463 (VCV005042463.1).
Genomic context (GRCh38, chr8:56,073,279, plus strand): 5'-CCACGTCTTAGAACCTTCACCACAAGGAGTTTTTCTTGTAGTGATTCTCAAAGTCTGTAA[CA>C]AAAGACAAAGGAAACCAAGTGTTTATCGTTTTATACTTATCCCTAGAACATCTGGAAAAT-3'

ClinVar aggregate classification (germline): Likely benign (1 of 4 stars; one submission).

Conditions:
Familial colorectal cancer type X. Identifiers: Orphanet 440437, MedGen C3896578, MONDO:0018604.

Submission:

Myriad Genetics, Inc.
Classification: Likely benign for Familial colorectal cancer type X. Last evaluated: 2026-07-31. Review status: criteria provided, single submitter. Criteria: Myriad Autosomal Dominant, Autosomal Recessive and X-Linked Classification Criteria (2023). Collection method: clinical testing. Allele origin: unknown.
Comment: This variant is considered likely benign. This variant is intronic and is not expected to impact mRNA splicing.